The following is an entry in ClinVar:

ClinVar aggregate classification (germline): Uncertain significance (0 of 4 stars; one submission).

Conditions:
Thrombophilia due to protein S deficiency, autosomal dominant (THPH5). Identifiers: Orphanet 26349, Orphanet 743, MedGen C3278211, MONDO:0012868, OMIM 612336. Disease mechanism: loss of function.

Allele frequency attached by ClinVar (database versions not stated): gnomAD exomes below 0.00001; ExAC 0.00001; ESP Exome Variant Server 0.00008.
gnomAD v4.1: 3 of 1,614,050 alleles (0.00019%); highest among the groups gnomAD compares: Non-Finnish European, 0.00025%; no homozygotes.

Submission:

CSER _CC_NCGL, University of Washington
Classification: Uncertain significance for Protein S deficiency. Last evaluated: 2014-06-01. Review status: no assertion criteria provided. Collection method: research. Allele origin: germline. Inheritance: Autosomal dominant inheritance. Study: ESP 6500 variant annotation.
Comment: Variants classified for the Actionable exomic incidental findings in 6503 participants: challenges of variant classification manuscript

NM_000313.4(PROS1):c.676T>A (p.Cys226Ser)

Gene: PROS1 (protein S; minus strand). Cytogenetic location: 3q11.1.
Variant type: single nucleotide variant.
Coding change: c.676T>A on transcript NM_000313.4 (MANE Select); coding-DNA position 676, T replaced by A.
Protein change: p.Cys226Ser; replaces cysteine 226 with serine.
Molecular consequence: missense variant.
Genome position (GRCh38, 1-based): chr3:93,900,855, A>T on the plus strand (T>A on the coding strand, the complement: PROS1 is on the minus strand). VCF-style: chr3-93900855-A-T. GRCh37 (hg19) VCF-style: chr3-93619699-A-T.
Other names: c.772T>A, p.Cys258Ser (NM_001314077.2); short protein forms C226S, C258S.
Identifiers: ClinVar variation 161353 (VCV000161353.2), dbSNP rs370855515, ClinGen allele CA211751.